The following is an entry in ClinVar:

ClinVar aggregate classification (germline): Likely benign (1 of 4 stars; one submission).

Submission:

CeGaT Center for Human Genetics Tuebingen
Classification: Likely benign. Last evaluated: 2024-08-01. Review status: criteria provided, single submitter. Criteria: CeGaT Center For Human Genetics Tuebingen Variant Classification Criteria Version 2. Collection method: clinical testing. Allele origin: germline. Affected: yes. Observed: 1 variant allele.
Comment: ERCC1: PM2:Supporting, BP4, BP7

NM_001983.4(ERCC1):c.192C>T (p.Ala64=)

Gene: ERCC1 (ERCC excision repair 1, endonuclease non-catalytic subunit; minus strand). Cytogenetic location: 19q13.32.
Variant type: single nucleotide variant.
Coding change: c.192C>T on transcript NM_001983.4 (MANE Select); coding-DNA position 192, C replaced by T.
Protein change: p.Ala64=; no amino-acid change (alanine 64 retained).
Molecular consequence: synonymous variant.
Genome position (GRCh38, 1-based): chr19:45,421,307, G>A on the plus strand (C>T on the coding strand, the complement: ERCC1 is on the minus strand). VCF-style: chr19-45421307-G-A. GRCh37 (hg19) VCF-style: chr19-45924565-G-A.
Other names: c.192C>T, p.Ala64= (NM_001166049.2, NM_001369408.1, NM_001369409.1 and 11 more transcripts).
Identifiers: ClinVar variation 3342052 (VCV003342052.16).
Genomic context (GRCh38, chr19:45,421,307, plus strand): 5'-TGCCAGGGGCTCTGACCCTGTGGGGCACGTGGCCCCAGCCCCTTCCAGAGGCTGTGAGAT[G>A]GCATATTCGGCGTAGGTCTGAGGGGCCGCCTGGGCCGAGGTGTCCACAGTGGGAAGGCTC-3'
Protein context (NP_001974.1, residues 54-74): QAAPQTYAEY[Ala64=]ISQPLEGAGA